The following is an entry in ClinVar:

NM_001205019.2(GK):c.1113G>A (p.Ser371=)

Gene: GK (glycerol kinase; plus strand). Cytogenetic location: Xp21.2.
Variant type: single nucleotide variant.
Coding change: c.1113G>A on transcript NM_001205019.2 (MANE Select); coding-DNA position 1113, G replaced by A.
Protein change: p.Ser371=; no amino-acid change (serine 371 retained).
Molecular consequence: synonymous variant.
Genome position (GRCh38, 1-based): chrX:30,719,477, G>A. VCF-style: chrX-30719477-G-A. GRCh37 (hg19) VCF-style: chrX-30737594-G-A.
Other names: NC_000023.10:g.30737594G>A; c.1095G>A, p.Ser365= (NM_000167.6, NM_001128127.3); c.1113G>A, p.Ser371= (NM_203391.4).
Identifiers: ClinVar variation 590223 (VCV000590223.12), dbSNP rs139652893, ClinGen allele CA10376855.

ClinVar aggregate classification (germline): Benign/Likely benign. Review status: criteria provided, multiple submitters, no conflicts (2 of 4 stars). 3 submissions from 3 submitters: Benign (1); Likely benign (1). 1 of the submissions does not count toward it. Last evaluated 2019-12-31.

Conditions:
GK-related disorder. Also called: GK-related condition.
Inborn genetic diseases. Identifiers: MedGen C0950123, MeSH D030342.

Allele frequency attached by ClinVar (database versions not stated): gnomAD exomes 0.00014 and 0.00045; ExAC 0.00045; 1000 Genomes Project 0.00132; 1000 Genomes Project 30x 0.00146; gnomAD 0.00166 and 0.00178; TOPMed 0.00189; ESP Exome Variant Server 0.00227.
gnomAD v4.1: 335 of 1,184,873 alleles (0.028%); highest among the groups gnomAD compares: African/African-American, 0.5%; 2 homozygotes.

Submissions (4):

Labcorp Genetics (formerly Invitae), Labcorp
Classification: Benign. Last evaluated: 2019-12-31. Review status: criteria provided, single submitter. Criteria: Invitae Variant Classification Sherloc (09022015). Collection method: clinical testing. Allele origin: germline.

Ambry Genetics
Classification: Likely benign for Inborn genetic diseases. Last evaluated: 2015-12-24. Review status: criteria provided, single submitter. Criteria: Ambry Variant Classification Scheme 2023. Collection method: clinical testing. Allele origin: germline.

PreventionGenetics, part of Exact Sciences
Classification: Benign for GK-related condition. Last evaluated: 2019-08-15. Review status: no assertion criteria provided. Collection method: clinical testing. Allele origin: germline. Not counted in ClinVar's aggregate classification.
Comment: This variant is classified as benign based on ACMG/AMP sequence variant interpretation guidelines (Richards et al. 2015 PMID: 25741868, with internal and published modifications).

Dr. Peter K. Rogan Lab, Western University
No classification provided (evidence only). Condition: Familial cancer of breast. Review status: no classification provided. Collection method: in vitro. Allele origin: not applicable. Functional consequence: retained intron. Not counted in ClinVar's aggregate classification.